The following is an entry in ClinVar:

NM_014000.3(VCL):c.3297G>A (p.Met1099Ile)

Gene: VCL (vinculin; plus strand). Cytogenetic location: 10q22.2.
Variant type: single nucleotide variant.
Coding change: c.3297G>A on transcript NM_014000.3 (MANE Select); coding-DNA position 3297, G replaced by A.
Protein change: p.Met1099Ile; replaces methionine 1099 with isoleucine.
Molecular consequence: missense variant.
Genome position (GRCh38, 1-based): chr10:74,118,061, G>A. VCF-style: chr10-74118061-G-A. GRCh37 (hg19) VCF-style: chr10-75877819-G-A.
Other names: c.3093G>A, p.Met1031Ile (NM_003373.4); short protein forms M1099I, M1031I.
Identifiers: ClinVar variation 2624707 (VCV002624707.2), dbSNP rs2549239498, ClinGen allele CA377268630.

ClinVar aggregate classification (germline): Uncertain significance (1 of 4 stars; one submission).

Conditions:
Cardiovascular phenotype. Identifiers: MedGen CN230736.

Submission:

Ambry Genetics
Classification: Uncertain significance for Cardiovascular phenotype. Last evaluated: 2023-08-13. Review status: criteria provided, single submitter. Criteria: Ambry Variant Classification Scheme 2023. Collection method: clinical testing. Allele origin: germline.
Comment: The p.M1099I variant (also known as c.3297G>A), located in coding exon 22 of the VCL gene, results from a G to A substitution at nucleotide position 3297. The methionine at codon 1099 is replaced by isoleucine, an amino acid with highly similar properties. This amino acid position is conserved. In addition, this alteration is predicted to be deleterious by in silico analysis. Since supporting evidence is limited at this time, the clinical significance of this alteration remains unclear.